The following is an entry in ClinVar:

NM_003072.5(SMARCA4):c.4494C>G (p.Tyr1498Ter)

Gene: SMARCA4 (SWI/SNF related BAF chromatin remodeling complex subunit ATPase 4; plus strand). Cytogenetic location: 19p13.2.
Variant type: single nucleotide variant.
Coding change: c.4494C>G on transcript NM_003072.5 (MANE Select); coding-DNA position 4494, C replaced by G.
Protein change: p.Tyr1498Ter; replaces tyrosine 1498 with a stop codon.
Molecular consequence: nonsense. On other transcripts: non-coding transcript variant (1).
Genome position (GRCh38, 1-based): chr19:11,058,324, C>G. VCF-style: chr19-11058324-C-G. GRCh37 (hg19) VCF-style: chr19-11169000-C-G.
Other names: c.4494C>G, p.Tyr1498Ter (NM_001128844.3); c.4404C>G, p.Tyr1468Ter (NM_001128845.2); c.4401C>G, p.Tyr1467Ter (NM_001128846.2); c.4395C>G, p.Tyr1465Ter (NM_001128847.4, NM_001374457.1); c.4392C>G, p.Tyr1464Ter (NM_001128848.2); c.4590C>G, p.Tyr1530Ter (NM_001128849.3, NM_001387283.1); c.4491C>G, p.Tyr1497Ter (NM_001411150.1); short protein forms Y1464*, Y1465*, Y1497*, Y1530*, Y1467*, Y1468*, Y1498*.
Identifiers: ClinVar variation 1741714 (VCV001741714.4), dbSNP rs139505007, ClinGen allele CA404077737.

ClinVar aggregate classification (germline): Pathogenic. Review status: criteria provided, multiple submitters, no conflicts (2 of 4 stars). 2 submissions from 2 submitters: Pathogenic (2). Last evaluated 2026-08-19.

Conditions:
Hereditary cancer-predisposing syndrome. Also called: Hereditary neoplastic syndrome; Neoplastic Syndromes, Hereditary; Tumor predisposition; Hereditary Cancer Syndrome. Identifiers: Orphanet 140162, MedGen C0027672, MeSH D009386, MONDO:0015356.
Rhabdoid tumor predisposition syndrome 2 (RTPS2). Identifiers: Orphanet 231108, Orphanet 69077, MedGen C2750074, MONDO:0013224, OMIM 613325.

Submissions (2):

Myriad Genetics, Inc.
Classification: Pathogenic for Rhabdoid tumor predisposition syndrome 2. Last evaluated: 2026-08-19. Review status: criteria provided, single submitter. Criteria: Myriad Autosomal Dominant, Autosomal Recessive and X-Linked Classification Criteria (2023). Collection method: clinical testing. Allele origin: unknown.
Comment: This variant is considered pathogenic. This variant creates a termination codon and is predicted to result in premature protein truncation.

Ambry Genetics
Classification: Pathogenic for Hereditary cancer-predisposing syndrome. Last evaluated: 2026-02-05. Review status: criteria provided, single submitter. Criteria: Ambry Variant Classification Scheme 2023. Collection method: clinical testing. Allele origin: germline.
Comment: The p.Y1530* pathogenic mutation (also known as c.4590C>G), located in coding exon 31 of the SMARCA4 gene, results from a C to G substitution at nucleotide position 4590. This changes the amino acid from a tyrosine to a stop codon within coding exon 31. This variant is considered to be rare based on population cohorts in the Genome Aggregation Database (gnomAD). This alteration is expected to result in loss of function by premature protein truncation or nonsense-mediated mRNA decay. Loss-of-function variants in SMARCA4 are known to cause rhabdoid tumor predisposition syndrome including small cell carcinoma of the ovary-hypercalcemic type (SCCOHT); however, such associations with neurodevelopmental disorders are exceedingly rare (Kosho T et al. Am J Med Genet C Semin Med Genet. 2014 Sep;166C(3):262-75; Jelinic P et al. Nat Genet. 2014 May;46(5):424-6). Based on the supporting evidence, this alteration is pathogenic for rhabdoid tumor predisposition syndrome; however, the association of this alteration with Coffin-Siris syndrome is unlikely.